The following is an entry in ClinVar:

ClinVar aggregate classification (germline): Uncertain significance (0 of 4 stars; one submission).

Conditions:
IFT172-related disorder. Also called: IFT172-related disorders; IFT172-related condition.

gnomAD v4.1: 7 of 1,614,216 alleles (0.00043%); highest among the groups gnomAD compares: African/African-American, 0.0027%; no homozygotes.

Submission:

PreventionGenetics, part of Exact Sciences
Classification: Uncertain significance for IFT172-related condition. Last evaluated: 2024-01-25. Review status: no assertion criteria provided. Collection method: clinical testing. Allele origin: germline.
Comment: The IFT172 c.2706A>G variant is predicted to result in the amino acid substitution p.Ile902Met. To our knowledge, this variant has not been reported in the literature. This variant is reported in 0.012% of alleles in individuals of African descent in gnomAD. At this time, the clinical significance of this variant is uncertain due to the absence of conclusive functional and genetic evidence.

NM_015662.3(IFT172):c.2706A>G (p.Ile902Met)

Genes: IFT172 (intraflagellar transport 172; minus strand), LOC126806174 (CDK7 strongly-dependent group 2 enhancer GRCh37_chr2:27681686-27682885; plus strand). Cytogenetic location: 2p23.3.
Variant type: single nucleotide variant.
Coding change: c.2706A>G on transcript NM_015662.3 (MANE Select); coding-DNA position 2706, A replaced by G.
Protein change: p.Ile902Met; replaces isoleucine 902 with methionine.
Molecular consequence: missense variant.
Genome position (GRCh38, 1-based): chr2:27,459,459, T>C on the plus strand (A>G on the coding strand, the complement: IFT172 is on the minus strand). VCF-style: chr2-27459459-T-C. GRCh37 (hg19) VCF-style: chr2-27682326-T-C.
Other names: c.2640A>G, p.Ile880Met (NM_001410739.1); short protein forms I880M, I902M.
Identifiers: ClinVar variation 3349324 (VCV003349324.1).